The following is an entry in ClinVar:

NM_015346.4(ZFYVE26):c.4783_4784del (p.Asp1595fs)

Gene: ZFYVE26 (zinc finger FYVE-type containing 26; minus strand). Cytogenetic location: 14q24.1.
Variant type: Deletion.
Coding change: c.4783_4784del on transcript NM_015346.4 (MANE Select); coding-DNA positions 4783 to 4784, 2 bases deleted (GA; older notation c.4783_4784delGA).
Protein change: p.Asp1595fs; shifts the reading frame from aspartic acid 1595.
Molecular consequence: frameshift variant.
Genome position (GRCh38, 1-based): chr14:67,778,139-67,778,140, TC deleted on the plus strand (GA on the coding strand, the reverse complement: ZFYVE26 is on the minus strand). VCF-style (leftmost placement, unchanged base first): chr14-67778138-GTC-G. GRCh37 (hg19) VCF-style: chr14-68244855-GTC-G.
Other names: short protein forms D1595fs.
Identifiers: ClinVar variation 1725527 (VCV001725527.2), dbSNP rs2502791224, ClinGen allele CA2580088606.

ClinVar aggregate classification (germline): Likely pathogenic (1 of 4 stars; one submission).

Conditions:
Hereditary spastic paraplegia 15 (SPG15). Also called: SPASTIC PARAPLEGIA 15, AUTOSOMAL RECESSIVE; KJELLIN SYNDROME; SPASTIC PARAPLEGIA AND RETINAL DEGENERATION. Identifiers: Orphanet 100996, MedGen C1849128, MONDO:0010044, OMIM 270700.

Submission:

Myriad Genetics, Inc.
Classification: Likely pathogenic for Hereditary spastic paraplegia 15. Last evaluated: 2022-03-29. Review status: criteria provided, single submitter. Criteria: Myriad Women's Health Autosomal Recessive and X-Linked Classification Criteria (2021). Collection method: clinical testing. Allele origin: unknown.
Comment: NM_015346.3(ZFYVE26):c.4783_4784delGA(D1595Qfs*11) is expected to be pathogenic in the context of spastic paraplegia type 15. This variant is predicted to lead to an abnormal or absent protein product due to the creation of a premature termination codon in ZFYVE26, a gene where loss-of-function variants are known to be pathogenic. Please note: this variant was assessed in the context of healthy population screening.